The following is an entry in ClinVar:

NM_000179.3(MSH6):c.1779A>G (p.Gln593=)

Gene: MSH6 (mutS homolog 6; plus strand). Cytogenetic location: 2p16.3.
Variant type: single nucleotide variant.
Coding change: c.1779A>G on transcript NM_000179.3 (MANE Select); coding-DNA position 1779, A replaced by G.
Protein change: p.Gln593=; no amino-acid change (glutamine 593 retained).
Molecular consequence: synonymous variant.
Genome position (GRCh38, 1-based): chr2:47,799,762, A>G. VCF-style: chr2-47799762-A-G. GRCh37 (hg19) VCF-style: chr2-48026901-A-G.
Other names: c.1389A>G, p.Gln463= (NM_001281492.2); c.873A>G, p.Gln291= (NM_001281493.2, NM_001281494.2).
Identifiers: ClinVar variation 923046 (VCV000923046.16), dbSNP rs1364713701, ClinGen allele CA426121112.

ClinVar aggregate classification (germline): Benign/Likely benign. Review status: criteria provided, multiple submitters, no conflicts (2 of 4 stars). 5 submissions from 5 submitters: Benign (1); Likely benign (4). Last evaluated 2025-10-09.

Conditions:
Hereditary nonpolyposis colorectal neoplasms. Identifiers: MedGen C0009405, MeSH D003123.
Lynch syndrome 5 (LYNCH5). Also called: Colorectal cancer, hereditary nonpolyposis, type 5; Hereditary non-polyposis colorectal cancer, type 5. Identifiers: Orphanet 144, MedGen C1833477, MONDO:0013710, OMIM 614350. Disease mechanism: loss of function.
Hereditary cancer-predisposing syndrome. Also called: Neoplastic Syndromes, Hereditary; Tumor predisposition; Hereditary Cancer Syndrome; Hereditary neoplastic syndrome. Identifiers: Orphanet 140162, MedGen C0027672, MeSH D009386, MONDO:0015356.

Submissions (5):

Women's Health and Genetics/Laboratory Corporation of America, LabCorp
Classification: Likely benign. Last evaluated: 2025-10-09. Review status: criteria provided, single submitter. Criteria: LabCorp Variant Classification Summary - May 2015. Collection method: clinical testing. Allele origin: germline.

Labcorp Genetics (formerly Invitae), Labcorp
Classification: Likely benign for Hereditary nonpolyposis colorectal neoplasms. Last evaluated: 2025-02-17. Review status: criteria provided, single submitter. Criteria: Invitae Variant Classification Sherloc (09022015). Collection method: clinical testing. Allele origin: germline.

Myriad Genetics, Inc.
Classification: Benign for Lynch syndrome 5. Last evaluated: 2024-12-27. Review status: criteria provided, single submitter. Criteria: Myriad Autosomal Dominant, Autosomal Recessive and X-Linked Classification Criteria (2023). Collection method: clinical testing. Allele origin: unknown.
Comment: This variant is considered benign. This variant is a silent/synonymous amino acid change and it is not expected to impact splicing.

Ambry Genetics
Classification: Likely benign for Hereditary cancer-predisposing syndrome. Last evaluated: 2020-09-21. Review status: criteria provided, single submitter. Criteria: Ambry Variant Classification Scheme 2023. Collection method: clinical testing. Allele origin: germline.

Color Diagnostics, LLC DBA Color Health
Classification: Likely benign for Hereditary cancer-predisposing syndrome. Last evaluated: 2020-01-15. Review status: criteria provided, single submitter. Criteria: ACMG Guidelines, 2015. Collection method: clinical testing. Allele origin: germline.